The following is an entry in ClinVar:

ClinVar aggregate classification (germline): Uncertain significance (1 of 4 stars; one submission).

Conditions:
Dyskeratosis congenita, autosomal dominant 1 (DKCA1). Also called: Dyskeratosis congenita Scoggins type. Identifiers: Orphanet 1775, MedGen C4551974, MONDO:0007485, OMIM 127550. Inheritance: Variable.

Allele frequency attached by ClinVar (database versions not stated): gnomAD exomes below 0.00001; ExAC 0.00001; gnomAD 0.00001.
gnomAD v4.1: 2 of 765,202 alleles (0.00026%); highest among the groups gnomAD compares: African/African-American, 0.0017%; no homozygotes.

Submission:

Labcorp Genetics (formerly Invitae), Labcorp
Classification: Uncertain significance for Dyskeratosis congenita, autosomal dominant 1. Last evaluated: 2022-09-01. Review status: criteria provided, single submitter. Criteria: Invitae Variant Classification Sherloc (09022015). Collection method: clinical testing. Allele origin: germline.
Comment: This variant is located in a region of TERC in which a significant number of disease causing variants have been reported (PMID: 15082312, 21844345, 21931702). These observations suggest that this may be a clinically significant region. In summary, the available evidence is currently insufficient to determine the role of this variant in disease. Therefore, it has been classified as a Variant of Uncertain Significance. This variant is located within the template/pseudoknot domain of the TERC RNA component, which is required for RNA or RNP stability (PMID: 15082312, 21844345). ClinVar contains an entry for this variant (Variation ID: 964174). This variant has not been reported in the literature in individuals affected with TERC-related conditions. This variant is present in population databases (rs763886920, gnomAD 0.004%). This variant occurs in the TERC gene, which encodes an RNA molecule that does not result in a protein product.

Literature cited by the submitters: PubMed 15082312; PubMed 21844345; PubMed 21931702.

NC_000003.12:g.169765017C>T

Genes: TERC (telomerase RNA component; minus strand), LOC110806306 (telomerase RNA component (TERC) promoter; plus strand). Cytogenetic location: 3q26.2.
Variant type: single nucleotide variant.
Genome position: GRCh38 VCF-style: chr3-169765017-C-T. GRCh37 (hg19) VCF-style: chr3-169482805-C-T.
Identifiers: ClinVar variation 964174 (VCV000964174.10), dbSNP rs763886920, ClinGen allele CA2696826.
Genomic context (GRCh38, chr3:169,765,017, plus strand): 5'-GAAAAACAGCGCGCGGGGAGCAAAAGCACGGCGCCTACGCCCTTCTCAGTTAGGGTTAGA[C>T]AAAAAATGGCCACCACCCCTCCCAGGCCCACCCTCCGCAACCCGGTGCGCTGCCGGGCGA-3'